The following is an entry in ClinVar:

NM_000055.4(BCHE):c.119A>G (p.Lys40Arg)

Gene: BCHE (butyrylcholinesterase; minus strand). Cytogenetic location: 3q26.1.
Variant type: single nucleotide variant.
Coding change: c.119A>G on transcript NM_000055.4 (MANE Select); coding-DNA position 119, A replaced by G.
Protein change: p.Lys40Arg; replaces lysine 40 with arginine.
Molecular consequence: missense variant. On other transcripts: non-coding transcript variant (1).
Genome position (GRCh38, 1-based): chr3:165,830,915, T>C on the plus strand (A>G on the coding strand, the complement: BCHE is on the minus strand). VCF-style: chr3-165830915-T-C. GRCh37 (hg19) VCF-style: chr3-165548703-T-C.
Other names: short protein forms K40R.
Identifiers: ClinVar variation 3063838 (VCV003063838.2), dbSNP rs116047990, ClinGen allele CA2692565.

ClinVar aggregate classification (germline): Uncertain significance (1 of 4 stars; one submission).

Allele frequency attached by ClinVar (database versions not stated): gnomAD exomes 0.00017; ExAC 0.00059; gnomAD 0.00177; ESP Exome Variant Server 0.00192; TOPMed 0.00193; 1000 Genomes Project 0.00240; 1000 Genomes Project 30x 0.00265.
gnomAD v4.1: 543 of 1,613,930 alleles (0.034%); highest among the groups gnomAD compares: African/African-American, 0.63%; 3 homozygotes.

Submission:

Women's Health and Genetics/Laboratory Corporation of America, LabCorp
Classification: Uncertain significance. Last evaluated: 2025-12-15. Review status: criteria provided, single submitter. Criteria: LabCorp Variant Classification Summary - May 2015. Collection method: clinical testing. Allele origin: germline.
Comment: Variant summary: BCHE c.119A>G (p.Lys40Arg) results in a conservative amino acid change located in the Carboxylesterase, type B domain (IPR002018) of the encoded protein sequence. Algorithms developed to predict the effect of missense changes on protein structure and function are either unavailable or do not agree on the potential impact of this missense change. The variant allele was found at a frequency of 0.00055 in 251158 control chromosomes in the gnomAD database, including 1 homozygotes. This frequency is not significantly higher than estimated for disease-causing variants in BCHE, allowing no conclusion about variant significance. c.119A>G has been reported in heterozygous individuals affected with low Butyrylcholine Esterase activity levels (Mikami_2008, Parnas_2011). These reports do not provide unequivocal conclusions about association of the variant with Deficiency Of Butyrylcholine Esterase. At least one publication reports experimental evidence evaluating an impact on protein function (Mikami_2008). These results showed no damaging effect of this variant. The following publications have been ascertained in the context of this evaluation (PMID: 18300943, 21228368). ClinVar contains an entry for this variant (Variation ID: 3063838). Based on the evidence outlined above, the variant was classified as uncertain significance.

Literature cited by the submitters: PubMed 18300943; PubMed 21228368.